The following is an entry in ClinVar:

ClinVar aggregate classification (germline): Uncertain significance (1 of 4 stars; one submission).

Conditions:
Retinoblastoma (RB1). Also called: RETINOBLASTOMA, SOMATIC. Identifiers: Orphanet 790, MedGen C0035335, MeSH D012175, MONDO:0008380, OMIM 180200, HP:0009919. Disease mechanism: loss of function. Inheritance: Both sporadic and heritable forms are tested..

Allele frequency attached by ClinVar (database versions not stated): gnomAD 0.00001.
gnomAD v4.1: 21 of 1,477,704 alleles (0.0014%); highest among the groups gnomAD compares: South Asian, 0.027%; no homozygotes.

Submission:

Labcorp Genetics (formerly Invitae), Labcorp
Classification: Uncertain significance for Retinoblastoma. Last evaluated: 2025-07-30. Review status: criteria provided, single submitter. Criteria: Invitae Variant Classification Sherloc (09022015). Collection method: clinical testing. Allele origin: germline.
Comment: This variant occurs in a non-coding region of the RB1 gene. It does not change the encoded amino acid sequence of the RB1 protein. This variant is not present in population databases (gnomAD no frequency). This variant has not been reported in the literature in individuals affected with RB1-related conditions. ClinVar contains an entry for this variant (Variation ID: 2999297). In summary, the available evidence is currently insufficient to determine the role of this variant in disease. Therefore, it has been classified as a Variant of Uncertain Significance.

NM_000321.3(RB1):c.-85G>C

Gene: RB1 (RB transcriptional corepressor 1; plus strand). Cytogenetic location: 13q14.2.
Variant type: single nucleotide variant.
Coding change: c.-85G>C on transcript NM_000321.3 (MANE Select); 85 bases upstream of the start codon, G replaced by C.
Molecular consequence: 5 prime UTR variant.
Genome position (GRCh38, 1-based): chr13:48,303,828, G>C. VCF-style: chr13-48303828-G-C. GRCh37 (hg19) VCF-style: chr13-48877964-G-C.
Other names: c.-85G>C (NM_001407165.1, NM_001407166.1, NM_001407167.1).
Identifiers: ClinVar variation 2999297 (VCV002999297.3), dbSNP rs1014258510, ClinGen allele CA955794748.